The following is an entry in ClinVar:

NM_000204.5(CFI):c.1173A>T (p.Gln391His)

Gene: CFI (complement factor I; minus strand). Cytogenetic location: 4q25.
Variant type: single nucleotide variant.
Coding change: c.1173A>T on transcript NM_000204.5 (MANE Select); coding-DNA position 1173, A replaced by T.
Protein change: p.Gln391His; replaces glutamine 391 with histidine.
Molecular consequence: missense variant. On other transcripts: non-coding transcript variant (2).
Genome position (GRCh38, 1-based): chr4:109,746,478, T>A on the plus strand (A>T on the coding strand, the complement: CFI is on the minus strand). VCF-style: chr4-109746478-T-A. GRCh37 (hg19) VCF-style: chr4-110667634-T-A.
Other names: c.1197A>T, p.Gln399His (NM_001318057.2, NM_001375278.1); c.1152A>T, p.Gln384His (NM_001331035.2, NM_001375280.1, NM_001375282.1); c.1173A>T, p.Gln391His (NM_001375279.1, NM_001375281.1); c.1116A>T, p.Gln372His (NM_001375283.1); c.564A>T, p.Gln188His (NM_001375284.1); short protein forms Q188H, Q384H, Q399H, Q372H, Q391H.
Identifiers: ClinVar variation 3679616 (VCV003679616.2).
Genomic context (GRCh38, chr4:109,746,478, plus strand): 5'-GTATTCAATTACTATACGTTTAAGGTCGGGGTGTATCCAGTCTACTACTGTTGTCCATAT[T>A]TGGTAACGATGAGTTTTACTGGCTCTATAACAGAAAAAAAAAGGAAATAAAATATATTGA-3'
Protein context (NP_000195.3, residues 381-401): CLRASKTHRY[Gln391His]IWTTVVDWIH

ClinVar aggregate classification (germline): Uncertain significance (1 of 4 stars; one submission).

gnomAD v4.1: 3 of 1,612,704 alleles (0.00019%); highest among the groups gnomAD compares: Non-Finnish European, 0.00017%; no homozygotes.

Submission:

Labcorp Genetics (formerly Invitae), Labcorp
Classification: Uncertain significance. Last evaluated: 2024-09-01. Review status: criteria provided, single submitter. Criteria: Invitae Variant Classification Sherloc (09022015). Collection method: clinical testing. Allele origin: germline.
Comment: This sequence change replaces glutamine, which is neutral and polar, with histidine, which is basic and polar, at codon 391 of the CFI protein (p.Gln391His). This variant is not present in population databases (gnomAD no frequency). This variant has not been reported in the literature in individuals affected with CFI-related conditions. Invitae Evidence Modeling of protein sequence and biophysical properties (such as structural, functional, and spatial information, amino acid conservation, physicochemical variation, residue mobility, and thermodynamic stability) has been performed for this missense variant. However, the output from this modeling did not meet the statistical confidence thresholds required to predict the impact of this variant on CFI protein function. In summary, the available evidence is currently insufficient to determine the role of this variant in disease. Therefore, it has been classified as a Variant of Uncertain Significance.